The following is an entry in ClinVar:

NM_001164508.2(NEB):c.4300-3C>T

Gene: NEB (nebulin; minus strand). Cytogenetic location: 2q23.3.
Variant type: single nucleotide variant.
Coding change: c.4300-3C>T on transcript NM_001164508.2 (MANE Select); 3 bases into the intron before coding-DNA position 4300, C replaced by T.
Molecular consequence: intron variant.
Genome position (GRCh38, 1-based): chr2:151,671,232, G>A on the plus strand (C>T on the coding strand, the complement: NEB is on the minus strand). VCF-style: chr2-151671232-G-A. GRCh37 (hg19) VCF-style: chr2-152527746-G-A.
Other names: c.4300-3C>T (NM_004543.5, NM_001164507.2, NM_001271208.2).
Identifiers: ClinVar variation 1386824 (VCV001386824.6), dbSNP rs2154190807, ClinGen allele CA2573133221.

ClinVar aggregate classification (germline): Uncertain significance (1 of 4 stars; one submission).

Conditions:
Nemaline myopathy 2 (NEM2). Also called: Nemaline myopathy 2, autosomal recessive. Identifiers: MedGen C1850569, MONDO:0009725, OMIM 256030.

Submission:

Labcorp Genetics (formerly Invitae), Labcorp
Classification: Uncertain significance for Nemaline myopathy 2. Last evaluated: 2021-04-11. Review status: criteria provided, single submitter. Criteria: Invitae Variant Classification Sherloc (09022015). Collection method: clinical testing. Allele origin: germline.
Comment: Nucleotide substitutions within the consensus splice site are a relatively common cause of aberrant splicing (PMID: 17576681, 9536098). Algorithms developed to predict the effect of sequence changes on RNA splicing suggest that this variant is not likely to affect RNA splicing, but this prediction has not been confirmed by published transcriptional studies. In summary, the available evidence is currently insufficient to determine the role of this variant in disease. Therefore, it has been classified as a Variant of Uncertain Significance. This variant has not been reported in the literature in individuals with NEB-related conditions. This variant is not present in population databases (ExAC no frequency). This sequence change falls in intron 37 of the NEB gene. It does not directly change the encoded amino acid sequence of the NEB protein. It affects a nucleotide within the consensus splice site of the intron.

Literature cited by the submitters: PubMed 17576681; PubMed 9536098.